The following is an entry in ClinVar:

NM_177438.3(DICER1):c.3764G>A (p.Ser1255Asn)

Gene: DICER1 (dicer 1, ribonuclease III; minus strand). Cytogenetic location: 14q32.13.
Variant type: single nucleotide variant.
Coding change: c.3764G>A on transcript NM_177438.3 (MANE Select); coding-DNA position 3764, G replaced by A.
Protein change: p.Ser1255Asn; replaces serine 1255 with asparagine.
Molecular consequence: missense variant.
Genome position (GRCh38, 1-based): chr14:95,103,632, C>T on the plus strand (G>A on the coding strand, the complement: DICER1 is on the minus strand). VCF-style: chr14-95103632-C-T. GRCh37 (hg19) VCF-style: chr14-95569969-C-T.
Other names: c.3764G>A, p.Ser1255Asn (NM_001195573.1, NM_001271282.3, NM_001291628.2 and 1 more transcripts); short protein forms S1255N.
Identifiers: ClinVar variation 934807 (VCV000934807.12), dbSNP rs199526737, ClinGen allele CA390873599.

ClinVar aggregate classification (germline): Uncertain significance. Review status: criteria provided, multiple submitters, no conflicts (2 of 4 stars). 2 submissions from 2 submitters: Uncertain significance (2). Last evaluated 2024-07-07.

Conditions:
DICER1-related tumor predisposition. Also called: DICER1 syndrome; DICER1-related pleuropulmonary blastoma cancer predisposition syndrome. Identifiers: Orphanet 284343, MedGen C3839822, MONDO:0100216.
Hereditary cancer-predisposing syndrome. Also called: Tumor predisposition; Hereditary neoplastic syndrome; Neoplastic Syndromes, Hereditary; Hereditary Cancer Syndrome. Identifiers: Orphanet 140162, MedGen C0027672, MeSH D009386, MONDO:0015356.

Allele frequency attached by ClinVar (database versions not stated): gnomAD exomes below 0.00001.
gnomAD v4.1: 1 of 1,614,176 alleles (0.000062%); highest among the groups gnomAD compares: Non-Finnish European, 0.000085%; no homozygotes.

Submissions (2):

Ambry Genetics
Classification: Uncertain significance for Hereditary cancer-predisposing syndrome. Last evaluated: 2024-07-07. Review status: criteria provided, single submitter. Criteria: Ambry Variant Classification Scheme 2023. Collection method: clinical testing. Allele origin: germline.
Comment: The p.S1255N variant (also known as c.3764G>A), located in coding exon 20 of the DICER1 gene, results from a G to A substitution at nucleotide position 3764. The serine at codon 1255 is replaced by asparagine, an amino acid with highly similar properties. This amino acid position is conserved. In addition, this alteration is predicted to be tolerated by in silico analysis. Based on the available evidence, the clinical significance of this variant remains unclear.

Labcorp Genetics (formerly Invitae), Labcorp
Classification: Uncertain significance for DICER1-related tumor predisposition. Last evaluated: 2024-04-15. Review status: criteria provided, single submitter. Criteria: Invitae Variant Classification Sherloc (09022015). Collection method: clinical testing. Allele origin: germline.
Comment: This sequence change replaces serine, which is neutral and polar, with asparagine, which is neutral and polar, at codon 1255 of the DICER1 protein (p.Ser1255Asn). This variant is not present in population databases (gnomAD no frequency). This variant has not been reported in the literature in individuals affected with DICER1-related conditions. ClinVar contains an entry for this variant (Variation ID: 934807). Advanced modeling of protein sequence and biophysical properties (such as structural, functional, and spatial information, amino acid conservation, physicochemical variation, residue mobility, and thermodynamic stability) performed at Invitae indicates that this missense variant is not expected to disrupt DICER1 protein function with a negative predictive value of 80%. In summary, the available evidence is currently insufficient to determine the role of this variant in disease. Therefore, it has been classified as a Variant of Uncertain Significance.